The following is an entry in ClinVar:

ClinVar aggregate classification (germline): Uncertain significance. Review status: criteria provided, multiple submitters, no conflicts (2 of 4 stars). 2 submissions from 2 submitters: Uncertain significance (2). Last evaluated 2024-04-15.

Conditions:
Dyskeratosis congenita, autosomal dominant 1 (DKCA1). Also called: Dyskeratosis congenita Scoggins type. Identifiers: Orphanet 1775, MedGen C4551974, MONDO:0007485, OMIM 127550. Inheritance: Variable.

Allele frequency attached by ClinVar (database versions not stated): gnomAD exomes below 0.00001 and 0.00001; ExAC 0.00001; gnomAD 0.00001; TOPMed 0.00001; ESP Exome Variant Server 0.00017.
gnomAD v4.1: 6 of 764,582 alleles (0.00078%); highest among the groups gnomAD compares: Non-Finnish European, 0.0012%; no homozygotes.

Submissions (2):

Labcorp Genetics (formerly Invitae), Labcorp
Classification: Uncertain significance for Dyskeratosis congenita, autosomal dominant 1. Last evaluated: 2024-04-15. Review status: criteria provided, single submitter. Criteria: Invitae Variant Classification Sherloc (09022015). Collection method: clinical testing. Allele origin: germline.
Comment: This variant occurs in the TERC gene, which encodes an RNA molecule that does not result in a protein product. This variant is present in population databases (rs367842608, gnomAD 0.0009%). This variant has not been reported in the literature in individuals affected with TERC-related conditions. ClinVar contains an entry for this variant (Variation ID: 1047761). This variant is located within the template/pseudoknot domain of the TERC RNA component, which is required for RNA or RNP stability (PMID: 15082312, 21844345). This variant is located in a region of TERC in which a significant number of disease causing variants have been reported (PMID: 15082312, 21844345, 21931702). These observations suggest that this may be a clinically significant region. In summary, the available evidence is currently insufficient to determine the role of this variant in disease. Therefore, it has been classified as a Variant of Uncertain Significance.

ARUP Laboratories, Molecular Genetics and Genomics, ARUP Laboratories
Classification: Uncertain significance. Last evaluated: 2023-10-18. Review status: criteria provided, single submitter. Criteria: ARUP Molecular Germline Variant Investigation Process 2024. Collection method: clinical testing. Allele origin: germline.

Literature cited by the submitters: PubMed 15082312 (cited by Labcorp Genetics (formerly Invitae), Labcorp); PubMed 21844345 (cited by Labcorp Genetics (formerly Invitae), Labcorp); PubMed 21931702 (cited by Labcorp Genetics (formerly Invitae), Labcorp).

NC_000003.12:g.169764896C>T

Genes: TERC (telomerase RNA component; minus strand), LOC110806306 (telomerase RNA component (TERC) promoter; plus strand). Cytogenetic location: 3q26.2.
Variant type: single nucleotide variant.
Genome position: GRCh38 VCF-style: chr3-169764896-C-T. GRCh37 (hg19) VCF-style: chr3-169482684-C-T.
Identifiers: ClinVar variation 1047761 (VCV001047761.8), dbSNP rs367842608, ClinGen allele CA2696813.